The following is an entry in ClinVar:

ClinVar aggregate classification (germline): Likely benign. Review status: criteria provided, multiple submitters, no conflicts (2 of 4 stars). 2 submissions from 2 submitters: Likely benign (2). Last evaluated 2025-08-29.

Conditions:
SLC7A9-related disorder. Also called: SLC7A9-related condition.

Submissions (2):

PreventionGenetics, part of Exact Sciences
Classification: Likely benign for SLC7A9-related condition. Last evaluated: 2025-08-29. Review status: criteria provided, single submitter. Criteria: ACMG Guidelines, 2015. Collection method: clinical testing. Allele origin: germline.
Comment: This variant is classified as likely benign based on ACMG/AMP sequence variant interpretation guidelines (Richards et al. 2015 PMID: 25741868, with internal and published modifications).

Blueprint Genetics
Classification: Likely benign. Last evaluated: 2023-07-14. Review status: criteria provided, single submitter. Criteria: ACMG Guidelines, 2015. Collection method: clinical testing. Allele origin: germline.

NM_014270.5(SLC7A9):c.699T>C (p.Asp233=)

Gene: SLC7A9 (solute carrier family 7 member 9; minus strand). Cytogenetic location: 19q13.11.
Variant type: single nucleotide variant.
Coding change: c.699T>C on transcript NM_014270.5 (MANE Select); coding-DNA position 699, T replaced by C.
Protein change: p.Asp233=; no amino-acid change (aspartic acid 233 retained).
Molecular consequence: synonymous variant.
Genome position (GRCh38, 1-based): chr19:32,862,123, A>G on the plus strand (T>C on the coding strand, the complement: SLC7A9 is on the minus strand). VCF-style: chr19-32862123-A-G. GRCh37 (hg19) VCF-style: chr19-33353029-A-G.
Other names: c.699T>C, p.Asp233= (NM_001126335.2, NM_001243036.2); c.699T>C (NM_014270.4).
Identifiers: ClinVar variation 4941762 (VCV004941762.2).